The following is an entry in ClinVar:

ClinVar aggregate classification (germline): Pathogenic (1 of 4 stars; one submission).

Submission:

Labcorp Genetics (formerly Invitae), Labcorp
Classification: Pathogenic. Last evaluated: 2023-09-08. Review status: criteria provided, single submitter. Criteria: Invitae Variant Classification Sherloc (09022015). Collection method: clinical testing. Allele origin: germline.
Comment: For these reasons, this variant has been classified as Pathogenic. This variant has not been reported in the literature in individuals affected with CYP17A1-related conditions. This variant is not present in population databases (gnomAD no frequency). This sequence change creates a premature translational stop signal (p.Asn261Lysfs*15) in the CYP17A1 gene. It is expected to result in an absent or disrupted protein product. Loss-of-function variants in CYP17A1 are known to be pathogenic (PMID: 10720067, 14747197, 17192295, 20197673, 24140098).

Literature cited by the submitters: PubMed 10720067; PubMed 14747197; PubMed 17192295; PubMed 20197673; PubMed 24140098.

NM_000102.4(CYP17A1):c.782dup (p.Asn261fs)

Genes: CYP17A1 (cytochrome P450 family 17 subfamily A member 1; minus strand), CYP17A1-AS1 (CYP17A1 antisense RNA 1; plus strand). Cytogenetic location: 10q24.32.
Variant type: Duplication.
Coding change: c.782dup on transcript NM_000102.4 (MANE Select); coding-DNA position 782, one base duplicated (A; older notation c.782dupA).
Protein change: p.Asn261fs; shifts the reading frame from asparagine 261.
Molecular consequence: frameshift variant.
Genome position (GRCh38, 1-based): chr10:102,833,180, T duplicated on the plus strand (A on the coding strand, the reverse complement: CYP17A1 is on the minus strand); the first of 2 consecutive T bases (chr10:102,833,180-102,833,181); duplicating either gives the same sequence. VCF-style (leftmost placement, unchanged base first): chr10-102833179-G-GT. GRCh37 (hg19) VCF-style: chr10-104592936-G-GT.
Other names: short protein forms N261fs.
Identifiers: ClinVar variation 2843835 (VCV002843835.3), dbSNP rs2493239061, ClinGen allele CA2739275961.
Genomic context (GRCh38, chr10:102,833,179, plus strand): 5'-ATCTGGGCCAGCATTGCCATTATCTGAGTTCATCTTGGCTTGCATCAGTGTGTCCAGCAT[G>GT]TTGGTGATAGAGTCACTCCGGAATTTCTCCTGGGTTGGGTGAGGTTGGGAGACATTAATA-3'